The following is an entry in ClinVar:

NM_000038.6(APC):c.2387A>T (p.Tyr796Phe)

Gene: APC (APC regulator of Wnt signaling pathway; plus strand). Cytogenetic location: 5q22.2.
Variant type: single nucleotide variant.
Coding change: c.2387A>T on transcript NM_000038.6 (MANE Select); coding-DNA position 2387, A replaced by T.
Protein change: p.Tyr796Phe; replaces tyrosine 796 with phenylalanine.
Molecular consequence: missense variant.
Genome position (GRCh38, 1-based): chr5:112,837,981, A>T. VCF-style: chr5-112837981-A-T. GRCh37 (hg19) VCF-style: chr5-112173678-A-T.
Other names: c.2387A>T, p.Tyr796Phe (NM_001127510.3, NM_001354895.2, NM_001407450.1); c.2333A>T, p.Tyr778Phe (NM_001127511.3); c.2441A>T, p.Tyr814Phe (NM_001354896.2, NM_001407447.1, NM_001407448.1 and 1 more transcripts); c.2417A>T, p.Tyr806Phe (NM_001354897.2); c.2312A>T, p.Tyr771Phe (NM_001354898.2); c.2303A>T, p.Tyr768Phe (NM_001354899.2); c.2264A>T, p.Tyr755Phe (NM_001354900.2); c.2210A>T, p.Tyr737Phe (NM_001354901.2, NM_001407453.1); and 11 more; short protein forms Y412F, Y513F, Y667F, Y695F, Y705F, Y713F, Y755F, Y786F.
Identifiers: ClinVar variation 1790503 (VCV001790503.3), dbSNP rs1765168531, ClinGen allele CA16026578.

ClinVar aggregate classification (germline): Uncertain significance (1 of 4 stars; one submission).

Conditions:
Hereditary cancer-predisposing syndrome. Also called: Hereditary Cancer Syndrome; Hereditary neoplastic syndrome; Tumor predisposition; Neoplastic Syndromes, Hereditary. Identifiers: Orphanet 140162, MedGen C0027672, MeSH D009386, MONDO:0015356.

gnomAD v4.1: 1 of 1,614,174 alleles (0.000062%); highest among the groups gnomAD compares: South Asian, 0.0011%; no homozygotes.

Submission:

Ambry Genetics
Classification: Uncertain significance for Hereditary cancer-predisposing syndrome. Last evaluated: 2024-11-12. Review status: criteria provided, single submitter. Criteria: Ambry Variant Classification Scheme 2023. Collection method: clinical testing. Allele origin: germline.
Comment: The p.Y796F variant (also known as c.2387A>T), located in coding exon 15 of the APC gene, results from an A to T substitution at nucleotide position 2387. The tyrosine at codon 796 is replaced by phenylalanine, an amino acid with highly similar properties. This amino acid position is highly conserved in available vertebrate species. In addition, in silico predictors for this gene do not accurately predict pathogenicity. Based on the available evidence, the clinical significance of this variant remains unclear.